The following is an entry in ClinVar:

ClinVar aggregate classification (germline): Likely benign. Review status: criteria provided, single submitter (1 of 4 stars). 2 submissions from 2 submitters: Likely benign (1). 1 of the submissions does not count toward it. Last evaluated 2024-01-22.

Conditions:
ABCC2-related disorder. Also called: ABCC2-related condition.

Allele frequency attached by ClinVar (database versions not stated): gnomAD 0.00001; ExAC 0.00002; gnomAD exomes 0.00002; TOPMed 0.00002.
gnomAD v4.1: 24 of 1,613,762 alleles (0.0015%); highest among the groups gnomAD compares: Admixed American, 0.012%; no homozygotes.

Submissions (2):

Labcorp Genetics (formerly Invitae), Labcorp
Classification: Likely benign. Last evaluated: 2024-01-22. Review status: criteria provided, single submitter. Criteria: Invitae Variant Classification Sherloc (09022015). Collection method: clinical testing. Allele origin: germline.

PreventionGenetics, part of Exact Sciences
Classification: Likely benign for ABCC2-related condition. Last evaluated: 2024-03-23. Review status: no assertion criteria provided. Collection method: clinical testing. Allele origin: germline. Not counted in ClinVar's aggregate classification.
Comment: This variant is classified as likely benign based on ACMG/AMP sequence variant interpretation guidelines (Richards et al. 2015 PMID: 25741868, with internal and published modifications).

NM_000392.5(ABCC2):c.516C>T (p.Tyr172=)

Gene: ABCC2 (ATP binding cassette subfamily C member 2; plus strand). Cytogenetic location: 10q24.2.
Variant type: single nucleotide variant.
Coding change: c.516C>T on transcript NM_000392.5 (MANE Select); coding-DNA position 516, C replaced by T.
Protein change: p.Tyr172=; no amino-acid change (tyrosine 172 retained).
Molecular consequence: synonymous variant.
Genome position (GRCh38, 1-based): chr10:99,793,939, C>T. VCF-style: chr10-99793939-C-T. GRCh37 (hg19) VCF-style: chr10-101553696-C-T.
Other names: c.516C>T (NM_000392.4).
Identifiers: ClinVar variation 2428308 (VCV002428308.8), dbSNP rs766116167, ClinGen allele CA5642913.